The following is an entry in ClinVar:

ClinVar aggregate classification (germline): Uncertain significance. Review status: criteria provided, multiple submitters, no conflicts (2 of 4 stars). 2 submissions from 2 submitters: Uncertain significance (2). Last evaluated 2025-10-13.

Conditions:
Erythrokeratodermia variabilis et progressiva 6. Identifiers: MedGen C5193144, MONDO:0032801, OMIM 618531.
Progressive familial heart block type IB (PFHB1B). Identifiers: Orphanet 871, MedGen C1970298, MONDO:0011474, OMIM 604559.
Cardiovascular phenotype. Identifiers: MedGen CN230736.

Allele frequency attached by ClinVar (database versions not stated): gnomAD exomes 0.00001.
gnomAD v4.1: 11 of 1,614,176 alleles (0.00068%); highest among the groups gnomAD compares: Non-Finnish European, 0.00085%; no homozygotes.

Submissions (2):

Clinical Genomics Laboratory, Washington University in St. Louis
Classification: Uncertain significance for Progressive familial heart block type IB; Erythrokeratodermia variabilis et progressiva 6. Last evaluated: 2025-10-13. Review status: criteria provided, single submitter. Criteria: ACMG Guidelines, 2015. Collection method: clinical testing. Allele origin: germline.
Comment: A TRPM4 c.1797G>T (p.Met599Ile) variant was identified in a heterozygous state. This variant, to our knowledge, has not been reported in the medical literature. It is only observed on 1/251,478 alleles in the general population (gnomAD v2.1.0), indicating it is not a common variant. Computational predictors suggest that the variant does not impact TRPM4 function. Due to limited information, the clinical significance of this variant is uncertain at this time.

Ambry Genetics
Classification: Uncertain significance for Cardiovascular phenotype. Last evaluated: 2023-05-27. Review status: criteria provided, single submitter. Criteria: Ambry Variant Classification Scheme 2023. Collection method: clinical testing. Allele origin: germline.
Comment: The p.M599I variant (also known as c.1797G>T), located in coding exon 13 of the TRPM4 gene, results from a G to T substitution at nucleotide position 1797. The methionine at codon 599 is replaced by isoleucine, an amino acid with highly similar properties. This amino acid position is conserved. In addition, this alteration is predicted to be tolerated by in silico analysis. Since supporting evidence is limited at this time, the clinical significance of this alteration remains unclear.

Literature cited by the submitters: uncertain (cited by Clinical Genomics Laboratory, Washington University in St. Louis).

NM_017636.4(TRPM4):c.1797G>T (p.Met599Ile)

Gene: TRPM4 (transient receptor potential cation channel subfamily M member 4; plus strand). Cytogenetic location: 19q13.33.
Variant type: single nucleotide variant.
Coding change: c.1797G>T on transcript NM_017636.4 (MANE Select); coding-DNA position 1797, G replaced by T.
Protein change: p.Met599Ile; replaces methionine 599 with isoleucine.
Molecular consequence: missense variant.
Genome position (GRCh38, 1-based): chr19:49,188,694, G>T. VCF-style: chr19-49188694-G-T. GRCh37 (hg19) VCF-style: chr19-49691951-G-T.
Other names: c.1275G>T, p.Met425Ile (NM_001321283.2); c.735G>T, p.Met245Ile (NM_001321285.2); c.1797G>T, p.Met599Ile (NM_001195227.2); c.1452G>T, p.Met484Ile (NM_001321281.2); c.189G>T, p.Met63Ile (NM_001321282.2); short protein forms M245I, M484I, M599I, M425I, M63I.
Identifiers: ClinVar variation 2563513 (VCV002563513.3), dbSNP rs1408045703, ClinGen allele CA406802909.